The following is an entry in ClinVar:

ClinVar aggregate classification (germline): Uncertain significance (1 of 4 stars; one submission).

gnomAD v4.1: 1 of 1,613,784 alleles (0.000062%); highest among the groups gnomAD compares: Non-Finnish European, 0.000085%; no homozygotes.

Submission:

Labcorp Genetics (formerly Invitae), Labcorp
Classification: Uncertain significance. Last evaluated: 2025-04-28. Review status: criteria provided, single submitter. Criteria: Invitae Variant Classification Sherloc (09022015). Collection method: clinical testing. Allele origin: germline.
Comment: This sequence change replaces serine, which is neutral and polar, with leucine, which is neutral and non-polar, at codon 575 of the HMCN1 protein (p.Ser575Leu). This variant is not present in population databases (gnomAD no frequency). This variant has not been reported in the literature in individuals affected with HMCN1-related conditions. An algorithm developed to predict the effect of missense changes on protein structure and function (PolyPhen-2) suggests that this variant is likely to be disruptive. In summary, the available evidence is currently insufficient to determine the role of this variant in disease. Therefore, it has been classified as a Variant of Uncertain Significance.

NM_031935.3(HMCN1):c.1724C>T (p.Ser575Leu)

Gene: HMCN1 (hemicentin 1; plus strand). Cytogenetic location: 1q31.1.
Variant type: single nucleotide variant.
Coding change: c.1724C>T on transcript NM_031935.3 (MANE Select); coding-DNA position 1724, C replaced by T.
Protein change: p.Ser575Leu; replaces serine 575 with leucine.
Molecular consequence: missense variant.
Genome position (GRCh38, 1-based): chr1:185,933,720, C>T. VCF-style: chr1-185933720-C-T. GRCh37 (hg19) VCF-style: chr1-185902852-C-T.
Other names: short protein forms S575L.
Identifiers: ClinVar variation 4718556 (VCV004718556.1).